The following is an entry in ClinVar:

ClinVar aggregate classification (germline): Pathogenic (1 of 4 stars; one submission).

Conditions:
Hereditary cancer-predisposing syndrome. Also called: Hereditary Cancer Syndrome; Tumor predisposition; Hereditary neoplastic syndrome; Neoplastic Syndromes, Hereditary. Identifiers: Orphanet 140162, MedGen C0027672, MeSH D009386, MONDO:0015356.

Submission:

Ambry Genetics
Classification: Pathogenic for Hereditary cancer-predisposing syndrome. Last evaluated: 2024-05-08. Review status: criteria provided, single submitter. Criteria: Ambry Variant Classification Scheme 2023. Collection method: clinical testing. Allele origin: germline.
Comment: The c.7626delG pathogenic mutation, located in coding exon 15 of the BRCA2 gene, results from a deletion of one nucleotide at nucleotide position 7626, causing a translational frameshift with a predicted alternate stop codon (p.Y2543Mfs*8). This variant is considered to be rare based on population cohorts in the Genome Aggregation Database (gnomAD). This alteration is expected to result in loss of function by premature protein truncation or nonsense-mediated mRNA decay. As such, this alteration is interpreted as a disease-causing mutation.

NM_000059.4(BRCA2):c.7626del (p.Tyr2543fs)

Gene: BRCA2 (BRCA2 DNA repair associated; plus strand). Cytogenetic location: 13q13.1.
Variant type: Deletion.
Coding change: c.7626del on transcript NM_000059.4 (MANE Select); coding-DNA position 7626, one base deleted (G; older notation c.7626delG).
Protein change: p.Tyr2543fs; shifts the reading frame from tyrosine 2543.
Molecular consequence: frameshift variant. On other transcripts: non-coding transcript variant (1).
Genome position (GRCh38, 1-based): chr13:32,357,750, G deleted. VCF-style (leftmost placement, unchanged base first): chr13-32357749-CG-C. GRCh37 (hg19) VCF-style: chr13-32931886-CG-C.
Other names: c.7530del, p.Tyr2511fs (NM_001406719.1); c.7626del, p.Tyr2543fs (NM_001406720.1); c.2694del, p.Tyr899fs (NM_001406721.1); c.1209del, p.Tyr404fs (NM_001406722.1); short protein forms Y404fs, Y2511fs, Y2543fs, Y899fs.
Identifiers: ClinVar variation 3261525 (VCV003261525.1).